The following is an entry in ClinVar:

NM_177438.3(DICER1):c.4830C>G (p.Phe1610Leu)

Gene: DICER1 (dicer 1, ribonuclease III; minus strand). Cytogenetic location: 14q32.13.
Variant type: single nucleotide variant.
Coding change: c.4830C>G on transcript NM_177438.3 (MANE Select); coding-DNA position 4830, C replaced by G.
Protein change: p.Phe1610Leu; replaces phenylalanine 1610 with leucine.
Molecular consequence: missense variant.
Genome position (GRCh38, 1-based): chr14:95,096,090, G>C on the plus strand (C>G on the coding strand, the complement: DICER1 is on the minus strand). VCF-style: chr14-95096090-G-C. GRCh37 (hg19) VCF-style: chr14-95562427-G-C.
Other names: c.4830C>G, p.Phe1610Leu (NM_001195573.1, NM_001271282.3, NM_001291628.2 and 1 more transcripts); short protein forms F1610L.
Identifiers: ClinVar variation 825215 (VCV000825215.10), dbSNP rs1314094025, ClinGen allele CA390866896.

ClinVar aggregate classification (germline): Uncertain significance. Review status: criteria provided, multiple submitters, no conflicts (2 of 4 stars). 2 submissions from 2 submitters: Uncertain significance (2). Last evaluated 2024-12-27.

Conditions:
DICER1-related tumor predisposition. Also called: DICER1-related pleuropulmonary blastoma cancer predisposition syndrome; DICER1 syndrome. Identifiers: Orphanet 284343, MedGen C3839822, MONDO:0100216.
Hereditary cancer-predisposing syndrome. Also called: Neoplastic Syndromes, Hereditary; Hereditary Cancer Syndrome; Hereditary neoplastic syndrome; Tumor predisposition. Identifiers: Orphanet 140162, MedGen C0027672, MeSH D009386, MONDO:0015356.

Allele frequency attached by ClinVar (database versions not stated): TOPMed 0.00002.

Submissions (2):

Ambry Genetics
Classification: Uncertain significance for Hereditary cancer-predisposing syndrome. Last evaluated: 2024-12-27. Review status: criteria provided, single submitter. Criteria: Ambry Variant Classification Scheme 2023. Collection method: clinical testing. Allele origin: germline.
Comment: The p.F1610L variant (also known as c.4830C>G), located in coding exon 22 of the DICER1 gene, results from a C to G substitution at nucleotide position 4830. The phenylalanine at codon 1610 is replaced by leucine, an amino acid with highly similar properties. This amino acid position is poorly conserved in available vertebrate species. In addition, this alteration is predicted to be tolerated by in silico analysis. Since supporting evidence is limited at this time, the clinical significance of this alteration remains unclear.

Labcorp Genetics (formerly Invitae), Labcorp
Classification: Uncertain significance for DICER1-related tumor predisposition. Last evaluated: 2022-12-31. Review status: criteria provided, single submitter. Criteria: Invitae Variant Classification Sherloc (09022015). Collection method: clinical testing. Allele origin: germline.
Comment: In summary, the available evidence is currently insufficient to determine the role of this variant in disease. Therefore, it has been classified as a Variant of Uncertain Significance. Algorithms developed to predict the effect of missense changes on protein structure and function output the following: SIFT: "Tolerated"; PolyPhen-2: "Benign"; Align-GVGD: "Class C0". The leucine amino acid residue is found in multiple mammalian species, which suggests that this missense change does not adversely affect protein function. ClinVar contains an entry for this variant (Variation ID: 825215). This variant is not present in population databases (gnomAD no frequency). This sequence change replaces phenylalanine, which is neutral and non-polar, with leucine, which is neutral and non-polar, at codon 1610 of the DICER1 protein (p.Phe1610Leu). This variant has not been reported in the literature in individuals affected with DICER1-related conditions.